The following is an entry in ClinVar:

NM_001267550.2(TTN):c.52576_52603del (p.Asn17525_Ala17526insTer)

Genes: TTN-AS1 (TTN antisense RNA 1; plus strand), TTN (titin; minus strand), LOC126806425 (BRD4-independent group 4 enhancer GRCh37_chr2:179471933-179473132; plus strand). Cytogenetic location: 2q31.2.
Variant type: Deletion.
Coding change: c.52576_52603del on transcript NM_001267550.2 (MANE Select); coding-DNA positions 52576 to 52603, 28 bases deleted (GCCTTGAAAGCCAATGTAGATGGCTTAT).
Protein change: p.Asn17525_Ala17526insTer.
Molecular consequence: nonsense.
Genome position (GRCh38, 1-based): chr2:178,608,280-178,608,307, ATAAGCCATCTACATTGGCTTTCAAGGC deleted on the plus strand (GCCTTGAAAGCCAATGTAGATGGCTTAT on the coding strand, the reverse complement: TTN is on the minus strand); deleting any 28 consecutive bases within chr2:178,608,280-178,608,309 gives the same sequence; the c. name uses the placement nearest the transcript's 3' end. VCF-style (leftmost placement, unchanged base first): chr2-178608279-AATAAGCCATCTACATTGGCTTTCAAGGC-A. GRCh37 (hg19) VCF-style: chr2-179473006-AATAAGCCATCTACATTGGCTTTCAAGGC-A.
Other names: c.47653_47680del, p.Asn15884_Ala15885insTer (NM_001256850.1); c.25381_25408del, p.Asn8460_Ala8461insTer (NM_003319.4); c.44872_44899del, p.Asn14957_Ala14958insTer (NM_133378.4); c.25756_25783del, p.Asn8585_Ala8586insTer (NM_133432.3); c.25957_25984del, p.Asn8652_Ala8653insTer (NM_133437.4); c.25381_25408del28 (NM_003319.4); c.52576_52603delGCCTTGAAAGCCAATGTAGATGGCTTAT (NM_001267550.2).
Identifiers: ClinVar variation 404765 (VCV000404765.16), dbSNP rs1064792915, ClinGen allele CA16610476.

ClinVar aggregate classification (germline): Likely pathogenic. Review status: criteria provided, multiple submitters, no conflicts (2 of 4 stars). 3 submissions from 2 submitters: Likely pathogenic (3). Last evaluated 2023-01-20.

Conditions:
Cardiovascular phenotype. Identifiers: MedGen CN230736.
Dilated cardiomyopathy 1G (CMD1G). Identifiers: Orphanet 154, MedGen C1858763, MONDO:0011400, OMIM 604145.
Autosomal recessive limb-girdle muscular dystrophy type 2J (LGMDR10). Also called: Limb-girdle muscular dystrophy, type 2J; MUSCULAR DYSTROPHY, LIMB-GIRDLE, AUTOSOMAL RECESSIVE 10. Identifiers: Orphanet 140922, MedGen C1837342, MONDO:0012127, OMIM 608807.

Submissions (3):

Ambry Genetics
Classification: Likely pathogenic for Cardiovascular phenotype. Last evaluated: 2023-01-20. Review status: criteria provided, single submitter. Criteria: Ambry Variant Classification Scheme 2023. Collection method: clinical testing. Allele origin: germline.
Comment: The c.25381_25408del28 variant, located in coding exon 102 of the TTN gene, results from a deletion of 28 nucleotides at nucleotide positions 25381 to 25408, causing a translational frameshift with a predicted alternate stop codon (p.A8461*). This exon is located in the A-band region of the N2-B isoform of the titin protein and is constitutively expressed in TTN transcripts (percent spliced in or PSI 100%). This variant is considered to be rare based on population cohorts in the Genome Aggregation Database (gnomAD). This alteration is expected to result in loss of function by premature protein truncation or nonsense-mediated mRNA decay. While truncating variants in TTN are present in 1-3% of the general population, truncating variants in the A-band are the most common cause of dilated cardiomyopathy (DCM) (Herman DS et al. N. Engl. J. Med., 2012 Feb;366:619-28; Roberts AM et al. Sci Transl Med, 2015 Jan;7:270ra6). TTN truncating variants encoded in constitutive exons (PSI >90%) have been found to be significantly associated with DCM regardless of their position in titin (Schafer S et al. Nat. Genet., 2017 01;49:46-53). Based on the majority of available evidence to date, this variant is likely to be pathogenic.

Labcorp Genetics (formerly Invitae), Labcorp
Classification: Likely pathogenic for Dilated cardiomyopathy 1G; Autosomal recessive limb-girdle muscular dystrophy type 2J. Last evaluated: 2022-09-13. Review status: criteria provided, single submitter. Criteria: Invitae Variant Classification Sherloc (09022015). Collection method: clinical testing. Allele origin: germline.
Comment: In summary, the currently available evidence indicates that the variant is pathogenic, but additional data are needed to prove that conclusively. Therefore, this variant has been classified as Likely Pathogenic. This variant is located in the A band of TTN (PMID: 25589632). Truncating variants in this region are significantly overrepresented in patients affected with dilated cardiomyopathy (PMID: 25589632). Truncating variants in this region have also been reported in individuals affected with autosomal recessive centronuclear myopathy (PMID: 23975875). ClinVar contains an entry for this variant (Variation ID: 404765). This variant has not been reported in the literature in individuals affected with TTN-related conditions. This variant is not present in population databases (gnomAD no frequency). This sequence change creates a premature translational stop signal (p.Ala17526*) in the TTN gene. While this is not anticipated to result in nonsense mediated decay, it is expected to create a truncated TTN protein.

Labcorp Genetics (formerly Invitae), Labcorp
Classification: Likely pathogenic for Dilated cardiomyopathy 1G. Last evaluated: 2016-10-03. Review status: criteria provided, single submitter. Criteria: Invitae Variant Classification Sherloc (09022015). Collection method: clinical testing. Allele origin: germline.
Comment: This sequence change deletes 28 nucleotide from exon 275 of the TTN mRNA (c.52576_52603delGCCTTGAAAGCCAATGTAGATGGCTTAT), causing a frameshift at codon 17526. This creates a premature translational stop signal in the last exon of the TTN mRNA (p.Ala17526*). While this is not anticipated to result in nonsense mediated decay, it is expected to result in a truncated TTN protein. This variant is found in the A-band of this gene. While this particular variant has not been reported in the literature, truncating variants in the A-band of TTN are significantly overrepresented in patients with dilated cardiomyopathy and are considered to be likely pathogenic for the disease (PMID: 25589632). For these reasons, this variant has been classified as Likely Pathogenic.

Literature cited by the submitters: PubMed 25589632 (cited by Labcorp Genetics (formerly Invitae), Labcorp); PubMed 23975875 (cited by Labcorp Genetics (formerly Invitae), Labcorp).